The following is an entry in ClinVar:

NM_182961.4(SYNE1):c.13153A>G (p.Met4385Val)

Gene: SYNE1 (spectrin repeat containing nuclear envelope protein 1; minus strand). Cytogenetic location: 6q25.2.
Variant type: single nucleotide variant.
Coding change: c.13153A>G on transcript NM_182961.4 (MANE Select); coding-DNA position 13153, A replaced by G.
Protein change: p.Met4385Val; replaces methionine 4385 with valine.
Molecular consequence: missense variant.
Genome position (GRCh38, 1-based): chr6:152,331,532, T>C on the plus strand (A>G on the coding strand, the complement: SYNE1 is on the minus strand). VCF-style: chr6-152331532-T-C. GRCh37 (hg19) VCF-style: chr6-152652667-T-C.
Other names: c.12940A>G, p.Met4314Val (NM_033071.5); short protein forms M4314V, M4385V.
Identifiers: ClinVar variation 2095802 (VCV002095802.2), dbSNP rs780148250, ClinGen allele CA4056235.

ClinVar aggregate classification (germline): Uncertain significance. Review status: criteria provided, multiple submitters, no conflicts (2 of 4 stars). 2 submissions from 2 submitters: Uncertain significance (2). Last evaluated 2024-04-01.

Conditions:
Emery-Dreifuss muscular dystrophy 4, autosomal dominant (EDMD4). Also called: EMERY-DREIFUSS MUSCULAR DYSTROPHY 4 WITH VARIABLE FEATURES. Identifiers: Orphanet 261, MedGen C2751807, MONDO:0013071, OMIM 612998.
Autosomal recessive ataxia, Beauce type. Also called: SYNE1 Deficiency; Spinocerebellar ataxia, autosomal recessive 8; ATAXIA, RECESSIVE, OF BEAUCE; SYNE1-Related Autosomal Recessive Cerebellar Ataxia. Identifiers: Orphanet 88644, MedGen C1853116, MONDO:0012549, OMIM 610743.

Allele frequency attached by ClinVar (database versions not stated): gnomAD 0.00003; ExAC 0.00001; TOPMed 0.00002.
gnomAD v4.1: 65 of 1,613,566 alleles (0.004%); highest among the groups gnomAD compares: Non-Finnish European, 0.0055%; no homozygotes.

Submissions (2):

GeneDx
Classification: Uncertain significance. Last evaluated: 2024-04-01. Review status: criteria provided, single submitter. Criteria: GeneDx Variant Classification Process June 2021. Collection method: clinical testing. Allele origin: germline. Affected: yes.
Comment: Not observed at significant frequency in large population cohorts (gnomAD); In silico analysis supports that this missense variant does not alter protein structure/function; Has not been previously published as pathogenic or benign to our knowledge

Labcorp Genetics (formerly Invitae), Labcorp
Classification: Uncertain significance for Emery-Dreifuss muscular dystrophy 4, autosomal dominant; Autosomal recessive ataxia, Beauce type. Last evaluated: 2022-06-22. Review status: criteria provided, single submitter. Criteria: Invitae Variant Classification Sherloc (09022015). Collection method: clinical testing. Allele origin: germline.
Comment: This sequence change replaces methionine, which is neutral and non-polar, with valine, which is neutral and non-polar, at codon 4314 of the SYNE1 protein (p.Met4314Val). This variant is present in population databases (rs780148250, gnomAD 0.003%). This variant has not been reported in the literature in individuals affected with SYNE1-related conditions. Algorithms developed to predict the effect of missense changes on protein structure and function are either unavailable or do not agree on the potential impact of this missense change (SIFT: "Deleterious"; PolyPhen-2: "Benign"; Align-GVGD: "Class C0"). In summary, the available evidence is currently insufficient to determine the role of this variant in disease. Therefore, it has been classified as a Variant of Uncertain Significance.